The following is an entry in ClinVar:

ClinVar aggregate classification (germline): Uncertain significance. Review status: criteria provided, multiple submitters, no conflicts (2 of 4 stars). 3 submissions from 3 submitters: Uncertain significance (3). Last evaluated 2026-08-20.

Submissions (3):

GeneDx
Classification: Uncertain significance. Last evaluated: 2026-08-20. Review status: criteria provided, single submitter. Criteria: GeneDx Variant Classification Process June 2021. Collection method: clinical testing. Allele origin: germline.
Comment: Not observed at significant frequency in large population cohorts (gnomAD); In silico analysis supports that this missense variant has a deleterious effect on protein structure/function; Has not been previously published as pathogenic or benign to our knowledge

Blueprint Genetics
Classification: Uncertain significance. Last evaluated: 2023-10-20. Review status: criteria provided, single submitter. Criteria: ACMG Guidelines, 2015. Collection method: clinical testing. Allele origin: germline.

Labcorp Genetics (formerly Invitae), Labcorp
Classification: Uncertain significance. Last evaluated: 2022-11-01. Review status: criteria provided, single submitter. Criteria: Invitae Variant Classification Sherloc (09022015). Collection method: clinical testing. Allele origin: germline.
Comment: This sequence change replaces asparagine, which is neutral and polar, with serine, which is neutral and polar, at codon 210 of the TPP1 protein (p.Asn210Ser). This variant is not present in population databases (gnomAD no frequency). This variant has not been reported in the literature in individuals affected with TPP1-related conditions. ClinVar contains an entry for this variant (Variation ID: 1374287). Advanced modeling of protein sequence and biophysical properties (such as structural, functional, and spatial information, amino acid conservation, physicochemical variation, residue mobility, and thermodynamic stability) performed at Invitae indicates that this missense variant is expected to disrupt TPP1 protein function. In summary, the available evidence is currently insufficient to determine the role of this variant in disease. Therefore, it has been classified as a Variant of Uncertain Significance.

NM_000391.4(TPP1):c.629A>G (p.Asn210Ser)

Gene: TPP1 (tripeptidyl peptidase 1; minus strand). Cytogenetic location: 11p15.4.
Variant type: single nucleotide variant.
Coding change: c.629A>G on transcript NM_000391.4 (MANE Select); coding-DNA position 629, A replaced by G.
Protein change: p.Asn210Ser; replaces asparagine 210 with serine.
Molecular consequence: missense variant.
Genome position (GRCh38, 1-based): chr11:6,617,033, T>C on the plus strand (A>G on the coding strand, the complement: TPP1 is on the minus strand). VCF-style: chr11-6617033-T-C. GRCh37 (hg19) VCF-style: chr11-6638264-T-C.
Other names: c.629A>G (NM_000391.3); short protein forms N210S.
Identifiers: ClinVar variation 1374287 (VCV001374287.7), dbSNP rs2134594943, ClinGen allele CA379475425.